The following is an entry in ClinVar:

NM_001199138.2(NLRC4):c.478G>A (p.Ala160Thr)

Gene: NLRC4 (NLR family CARD domain containing 4; minus strand). Cytogenetic location: 2p22.3.
Variant type: single nucleotide variant.
Coding change: c.478G>A on transcript NM_001199138.2 (MANE Select); coding-DNA position 478, G replaced by A.
Protein change: p.Ala160Thr; replaces alanine 160 with threonine.
Molecular consequence: missense variant. On other transcripts: intron variant (1).
Genome position (GRCh38, 1-based): chr2:32,251,386, C>T on the plus strand (G>A on the coding strand, the complement: NLRC4 is on the minus strand). VCF-style: chr2-32251386-C-T. GRCh37 (hg19) VCF-style: chr2-32476455-C-T.
Other names: p.Ala160Thr; c.262+1033G>A (NM_001302504.1); c.478G>A, p.Ala160Thr (NM_001199139.2, NM_021209.5); short protein forms A160T.
Identifiers: ClinVar variation 542049 (VCV000542049.43), dbSNP rs113631419, ClinGen allele CA1602138.
Genomic context (GRCh38, chr2:32,251,386, plus strand): 5'-GCAGCAGAGTGGACTTGCCTTTGCCAGATTCCCCTTCAATGATGCAGGGGCTCTGAAGAG[C>T]CTGCAGGAGGCCATTCAGGGTCAGCTGCTCCACGCGGTGATGGTGTTGGTCCTTCCTCCA-3'
Protein context (NP_001186067.1, residues 150-170): EQLTLNGLLQ[Ala160Thr]LQSPCIIEGE

ClinVar aggregate classification (germline): Conflicting classifications of pathogenicity. Review status: criteria provided, conflicting classifications (1 of 4 stars). 10 submissions from 10 submitters: Uncertain significance (2); Benign (1); Likely benign (5). 2 of the submissions do not count toward it. Last evaluated 2026-08-01.

Conditions:
NLRC4-related disorder. Also called: NLRC4-related condition.
Autoinflammatory syndrome. Identifiers: Orphanet 93665, MedGen C3890737, MONDO:0019751.
Periodic fever-infantile enterocolitis-autoinflammatory syndrome. Also called: Autoinflammation with infantile enterocolitis. Identifiers: Orphanet 436166, MedGen C4015067, MONDO:0014472, OMIM 616050.
Familial cold autoinflammatory syndrome 4 (FCAS4). Identifiers: Orphanet 47045, Orphanet 576349, MedGen C4015276, MONDO:0014498, OMIM 616115.

Allele frequency attached by ClinVar (database versions not stated): ESP Exome Variant Server 0.00054; ExAC 0.00086; gnomAD 0.00074 and 0.00077; TOPMed 0.00074; gnomAD exomes 0.00082 and 0.00113.

Submissions (10):

CeGaT Center for Human Genetics Tuebingen
Classification: Likely benign. Last evaluated: 2026-08-01. Review status: criteria provided, single submitter. Criteria: CeGaT Center For Human Genetics Tuebingen Variant Classification Criteria Version 2. Collection method: clinical testing. Allele origin: germline. Affected: yes. Observed: 7 variant alleles.
Comment: NLRC4: BP4, BS1

Labcorp Genetics (formerly Invitae), Labcorp
Classification: Likely benign for Periodic fever-infantile enterocolitis-autoinflammatory syndrome; Familial cold autoinflammatory syndrome 4. Last evaluated: 2026-02-02. Review status: criteria provided, single submitter. Criteria: Invitae Variant Classification Sherloc (09022015). Collection method: clinical testing. Allele origin: germline.

Women's Health and Genetics/Laboratory Corporation of America, LabCorp
Classification: Likely benign. Last evaluated: 2026-01-23. Review status: criteria provided, single submitter. Criteria: LabCorp Variant Classification Summary - May 2015. Collection method: clinical testing. Allele origin: germline.

Mayo Clinic Laboratories, Mayo Clinic
Classification: Uncertain significance. Last evaluated: 2025-06-05. Review status: criteria provided, single submitter. Criteria: ACMG Guidelines, 2015. Collection method: clinical testing. Allele origin: germline. Observed: 5 variant alleles.
Comment: BS1, BP4, PS3_moderate

Blueprint Genetics
Classification: Likely benign. Last evaluated: 2024-11-23. Review status: criteria provided, single submitter. Criteria: ACMG Guidelines, 2015. Collection method: clinical testing. Allele origin: germline.

PreventionGenetics, part of Exact Sciences
Classification: Likely benign for NLRC4-related condition. Last evaluated: 2024-10-31. Review status: criteria provided, single submitter. Criteria: ACMG Guidelines, 2015. Collection method: clinical testing. Allele origin: germline.
Comment: This variant is classified as likely benign based on ACMG/AMP sequence variant interpretation guidelines (Richards et al. 2015 PMID: 25741868, with internal and published modifications).

Genome Diagnostics Laboratory, The Hospital for Sick Children
Classification: Benign for Autoinflammatory syndrome. Last evaluated: 2022-04-19. Review status: criteria provided, single submitter. Criteria: ACMG Guidelines, 2015. Collection method: clinical testing. Allele origin: germline. Affected: yes.

Center for Genomics, Ann and Robert H. Lurie Children's Hospital of Chicago
Classification: Uncertain significance for Familial cold autoinflammatory syndrome 4; Periodic fever-infantile enterocolitis-autoinflammatory syndrome. Review status: criteria provided, single submitter. Criteria: ACMG Guidelines, 2015. Collection method: clinical testing. Allele origin: germline.
Comment: NLRC4 NM_021209.4 exon 4 p.Ala160Thr (c.478G>A): This variant has not been reported in the literature but is present in 0.1% (86/68034) of European alleles in the Genome Aggregation Database. This variant is present in ClinVar (Variation ID:542049). This variant amino acid Threonine (Thr) is present in >20 species including mammals and is not well conserved among evolutionarily distant species; this suggests that this variant may not impact the protein. Additional computational prediction tools do not suggest an impact. In summary, data on this variant is insufficient for disease classification. Therefore, the clinical significance of this variant is uncertain.

Clinical Genetics DNA and cytogenetics Diagnostics Lab, Erasmus MC, Erasmus Medical Center
Classification: Likely benign. Review status: no assertion criteria provided. Collection method: clinical testing. Allele origin: germline. Affected: yes. Study: VKGL Data-share Consensus. Not counted in ClinVar's aggregate classification.

Genome Diagnostics Laboratory, University Medical Center Utrecht
Classification: Likely benign. Review status: no assertion criteria provided. Collection method: clinical testing. Allele origin: germline. Affected: yes. Study: VKGL Data-share Consensus. Not counted in ClinVar's aggregate classification.

Literature cited by the submitters: PubMed 32707200 (cited by Mayo Clinic Laboratories, Mayo Clinic); PubMed 34783940 (cited by Mayo Clinic Laboratories, Mayo Clinic); PubMed 39239759 (cited by Mayo Clinic Laboratories, Mayo Clinic); PubMed 39724974 (cited by Mayo Clinic Laboratories, Mayo Clinic).